The following is an entry in ClinVar:

ClinVar aggregate classification (germline): Uncertain significance (1 of 4 stars; one submission).

Submission:

Labcorp Genetics (formerly Invitae), Labcorp
Classification: Uncertain significance. Last evaluated: 2024-05-06. Review status: criteria provided, single submitter. Criteria: Invitae Variant Classification Sherloc (09022015). Collection method: clinical testing. Allele origin: germline.
Comment: This variant, c.197_202del, results in the deletion of 2 amino acid(s) of the KMT2A protein (p.Ala66_Ala67del), but otherwise preserves the integrity of the reading frame. This variant is present in population databases (rs782082350, gnomAD 0.03%). This variant has not been reported in the literature in individuals affected with KMT2A-related conditions. Experimental studies and prediction algorithms are not available or were not evaluated, and the functional significance of this variant is currently unknown. In summary, the available evidence is currently insufficient to determine the role of this variant in disease. Therefore, it has been classified as a Variant of Uncertain Significance.

NM_001197104.2(KMT2A):c.188CGG[3] (p.Ala66_Ala67del)

Gene: KMT2A (lysine methyltransferase 2A; plus strand). Cytogenetic location: 11q23.3.
Variant type: Microsatellite.
Coding change: c.188CGG[3] on transcript NM_001197104.2 (MANE Select); three copies in a row of the 3-base unit CGG starting at c.188; the reference has five copies in a row; two copies, 6 bases deleted.
Protein change: p.Ala66_Ala67del.
Molecular consequence: inframe deletion.
Genome position (GRCh38, 1-based): chr11:118,436,709-118,436,714, CGGCGG deleted; deleting any 6 consecutive bases within chr11:118,436,699-118,436,714 gives the same sequence; the position shown is the placement nearest the transcript's 3' end. VCF-style (leftmost placement, unchanged base first): chr11-118436698-CGCGGCG-C. GRCh37 (hg19) VCF-style: chr11-118307413-CGCGGCG-C.
Other names: c.188CGG[3], p.Ala66_Ala67del (NM_005933.4).
Identifiers: ClinVar variation 1502760 (VCV001502760.6), dbSNP rs781936420, ClinGen allele CA6303197.